The following is an entry in ClinVar:

NM_000548.5(TSC2):c.4991G>C (p.Gly1664Ala)

Gene: TSC2 (TSC complex subunit 2; plus strand). Cytogenetic location: 16p13.3.
Variant type: single nucleotide variant.
Coding change: c.4991G>C on transcript NM_000548.5 (MANE Select); coding-DNA position 4991, G replaced by C.
Protein change: p.Gly1664Ala; replaces glycine 1664 with alanine.
Molecular consequence: missense variant. On other transcripts: non-coding transcript variant (5).
Genome position (GRCh38, 1-based): chr16:2,087,864, G>C. VCF-style: chr16-2087864-G-C. GRCh37 (hg19) VCF-style: chr16-2137865-G-C.
Other names: c.4790G>C, p.Gly1597Ala (NM_001077183.3); c.4922G>C, p.Gly1641Ala (NM_001114382.3); c.4682G>C, p.Gly1561Ala (NM_001318827.2); c.4646G>C, p.Gly1549Ala (NM_001318829.2); c.4259G>C, p.Gly1420Ala (NM_001318831.2); c.4823G>C, p.Gly1608Ala (NM_001318832.2); c.4793G>C, p.Gly1598Ala (NM_001363528.2); c.4859G>C, p.Gly1620Ala (NM_001370404.1); and 26 more; short protein forms G1193A, G1397A, G1441A, G1549A, G1561A, G1620A, G1638A, G1063A.
Identifiers: ClinVar variation 4826469 (VCV004826469.1).
Genomic context (GRCh38, chr16:2,087,864, plus strand): 5'-CGAGATCAGCCTTCAGCACACGCTGTGTGCGGGGATGACCCTTTCTCTTGTCCGGGCAGG[G>C]CCAGTTCAACTTTGTCCACGTGATCGTCACCCCGCTGGACTACGAGTGCAACCTGGTGTC-3'
Protein context (NP_000539.2, residues 1654-1674): GEDFKLGTIK[Gly1664Ala]QFNFVHVIVT

ClinVar aggregate classification (germline): Uncertain significance (1 of 4 stars; one submission).

Conditions:
Hereditary cancer-predisposing syndrome. Also called: Neoplastic Syndromes, Hereditary; Tumor predisposition; Hereditary Cancer Syndrome; Hereditary neoplastic syndrome. Identifiers: Orphanet 140162, MedGen C0027672, MeSH D009386, MONDO:0015356.

Submission:

Ambry Genetics
Classification: Uncertain significance for Hereditary cancer-predisposing syndrome. Last evaluated: 2026-03-07. Review status: criteria provided, single submitter. Criteria: Ambry Variant Classification Scheme 2023. Collection method: clinical testing. Allele origin: germline.
Comment: The p.G1664A variant (also known as c.4991G>C), located in coding exon 38 of the TSC2 gene, results from a G to C substitution at nucleotide position 4991. The glycine at codon 1664 is replaced by alanine, an amino acid with similar properties. This amino acid position is conserved. In addition, this alteration is predicted to be deleterious by in silico analysis. Based on the available evidence, the clinical significance of this variant remains unclear.